The following is an entry in ClinVar:

ClinVar aggregate classification (germline): Uncertain significance (1 of 4 stars; one submission).

Conditions:
Familial focal epilepsy with variable foci (FPEVF). Identifiers: Orphanet 98820, MedGen C1858477, MONDO:0020310.

gnomAD v4.1: 1 of 1,613,934 alleles (0.000062%); highest among the groups gnomAD compares: Non-Finnish European, 0.000085%; no homozygotes.

Submission:

Labcorp Genetics (formerly Invitae), Labcorp
Classification: Uncertain significance for Familial focal epilepsy with variable foci. Last evaluated: 2024-05-26. Review status: criteria provided, single submitter. Criteria: Invitae Variant Classification Sherloc (09022015). Collection method: clinical testing. Allele origin: germline.
Comment: This sequence change replaces lysine, which is basic and polar, with arginine, which is basic and polar, at codon 1517 of the DEPDC5 protein (p.Lys1517Arg). This variant is not present in population databases (gnomAD no frequency). This variant has not been reported in the literature in individuals affected with DEPDC5-related conditions. Algorithms developed to predict the effect of missense changes on protein structure and function output the following: SIFT: "Not Available"; PolyPhen-2: "Not Available"; Align-GVGD: "Not Available". The arginine amino acid residue is found in multiple mammalian species, which suggests that this missense change does not adversely affect protein function. In summary, the available evidence is currently insufficient to determine the role of this variant in disease. Therefore, it has been classified as a Variant of Uncertain Significance.

NM_001242896.3(DEPDC5):c.4550A>G (p.Lys1517Arg)

Gene: DEPDC5 (DEP domain containing 5, GATOR1 subcomplex subunit; plus strand). Cytogenetic location: 22q12.3.
Variant type: single nucleotide variant.
Coding change: c.4550A>G on transcript NM_001242896.3 (MANE Select); coding-DNA position 4550, A replaced by G.
Protein change: p.Lys1517Arg; replaces lysine 1517 with arginine.
Molecular consequence: missense variant. On other transcripts: non-coding transcript variant (5).
Genome position (GRCh38, 1-based): chr22:31,906,235, A>G. VCF-style: chr22-31906235-A-G. GRCh37 (hg19) VCF-style: chr22-32302221-A-G.
Other names: c.4484A>G, p.Lys1495Arg (NM_001363852.2, NM_001364320.2); c.4316A>G, p.Lys1439Arg (NM_001363854.2, NM_001364319.2); c.4550A>G, p.Lys1517Arg (NM_001364318.2); c.4466A>G, p.Lys1489Arg (NM_001369901.1, NM_001369902.1); c.4457A>G, p.Lys1486Arg (NM_001369903.1, NM_014662.6); c.4523A>G, p.Lys1508Arg (NM_001136029.4); c.4250A>G, p.Lys1417Arg (NM_001242897.2); short protein forms K1417R, K1495R, K1508R, K1439R, K1486R, K1489R, K1517R.
Identifiers: ClinVar variation 3654635 (VCV003654635.2).